The following is an entry in ClinVar:

NM_032043.3(BRIP1):c.2810A>G (p.Asp937Gly)

Gene: BRIP1 (BRCA1 interacting DNA helicase 1; minus strand). Cytogenetic location: 17q23.2.
Variant type: single nucleotide variant.
Coding change: c.2810A>G on transcript NM_032043.3 (MANE Select); coding-DNA position 2810, A replaced by G.
Protein change: p.Asp937Gly; replaces aspartic acid 937 with glycine.
Molecular consequence: missense variant.
Genome position (GRCh38, 1-based): chr17:61,685,931, T>C on the plus strand (A>G on the coding strand, the complement: BRIP1 is on the minus strand). VCF-style: chr17-61685931-T-C. GRCh37 (hg19) VCF-style: chr17-59763292-T-C.
Other names: short protein forms D937G.
Identifiers: ClinVar variation 1035453 (VCV001035453.9), dbSNP rs2061354479, ClinGen allele CA400481486.

ClinVar aggregate classification (germline): Uncertain significance (1 of 4 stars; one submission).

Conditions:
Familial cancer of breast. Also called: Hereditary breast cancer; hereditary breast carcinoma; BREAST CANCER, FAMILIAL. Identifiers: Orphanet 227535, MedGen C0346153, MONDO:0016419, OMIM 114480. Disease mechanism: loss of function.
Fanconi anemia complementation group J. Also called: BRIP1-Related Fanconi Anemia. Identifiers: Orphanet 84, MedGen C1836860, MONDO:0012187, OMIM 609054.

Submission:

Labcorp Genetics (formerly Invitae), Labcorp
Classification: Uncertain significance for Familial cancer of breast; Fanconi anemia complementation group J. Last evaluated: 2018-04-30. Review status: criteria provided, single submitter. Criteria: Invitae Variant Classification Sherloc (09022015). Collection method: clinical testing. Allele origin: germline.
Comment: In summary, the available evidence is currently insufficient to determine the role of this variant in disease. Therefore, it has been classified as a Variant of Uncertain Significance. Algorithms developed to predict the effect of sequence changes on RNA splicing suggest that this variant may create or strengthen a splice site, but this prediction has not been confirmed by published transcriptional studies. Algorithms developed to predict the effect of missense changes on protein structure and function output the following: SIFT: "Tolerated"; PolyPhen-2: "Benign"; Align-GVGD: "Class C0". The glycine amino acid residue is found in multiple mammalian species, suggesting that this missense change does not adversely affect protein function. These predictions have not been confirmed by published functional studies and their clinical significance is uncertain. This variant has not been reported in the literature in individuals with BRIP1-related disease. This variant is not present in population databases (ExAC no frequency). This sequence change replaces aspartic acid with glycine at codon 937 of the BRIP1 protein (p.Asp937Gly). The aspartic acid residue is weakly conserved and there is a moderate physicochemical difference between aspartic acid and glycine.